The following is an entry in ClinVar:

NM_001378454.1(ALMS1):c.6442C>A (p.Pro2148Thr)

Gene: ALMS1 (ALMS1 centrosome and basal body associated protein; plus strand). Cytogenetic location: 2p13.1.
Variant type: single nucleotide variant.
Coding change: c.6442C>A on transcript NM_001378454.1 (MANE Select); coding-DNA position 6442, C replaced by A.
Protein change: p.Pro2148Thr; replaces proline 2148 with threonine.
Molecular consequence: missense variant.
Genome position (GRCh38, 1-based): chr2:73,452,969, C>A. VCF-style: chr2-73452969-C-A. GRCh37 (hg19) VCF-style: chr2-73680096-C-A.
Other names: c.6445C>A, p.Pro2149Thr (NM_015120.4); short protein forms P2149T, P2148T.
Identifiers: ClinVar variation 424295 (VCV000424295.11), dbSNP rs377360750, ClinGen allele CA1714063.

ClinVar aggregate classification (germline): Conflicting classifications of pathogenicity. Review status: criteria provided, conflicting classifications (1 of 4 stars). 5 submissions from 5 submitters: Uncertain significance (4); Likely benign (1). Last evaluated 2026-05-18.

Conditions:
Alstrom syndrome (ALMS). Identifiers: Orphanet 64, MedGen C0268425, MONDO:0008763, OMIM 203800.
Cardiovascular phenotype. Identifiers: MedGen CN230736.

Allele frequency attached by ClinVar (database versions not stated): ExAC 0.00006; ESP Exome Variant Server 0.00017; gnomAD 0.00020; 1000 Genomes Project 30x 0.00016; gnomAD exomes 0.00002 and 0.00006; TOPMed 0.00024; 1000 Genomes Project 0.00020.
gnomAD v4.1: 66 of 1,612,374 alleles (0.0041%); highest among the groups gnomAD compares: African/African-American, 0.085%; no homozygotes.

Submissions (5):

Women's Health and Genetics/Laboratory Corporation of America, LabCorp
Classification: Uncertain significance. Last evaluated: 2026-05-18. Review status: criteria provided, single submitter. Criteria: LabCorp Variant Classification Summary - May 2015. Collection method: clinical testing. Allele origin: germline.

GeneDx
Classification: Uncertain significance. Last evaluated: 2025-10-23. Review status: criteria provided, single submitter. Criteria: GeneDx Variant Classification Process June 2021. Collection method: clinical testing. Allele origin: germline. Affected: yes.
Comment: Has not been previously published as pathogenic or benign to our knowledge; In silico analysis suggests that this missense variant does not alter protein structure/function

Labcorp Genetics (formerly Invitae), Labcorp
Classification: Uncertain significance for Alstrom syndrome. Last evaluated: 2022-08-31. Review status: criteria provided, single submitter. Criteria: Invitae Variant Classification Sherloc (09022015). Collection method: clinical testing. Allele origin: germline.
Comment: This sequence change replaces proline, which is neutral and non-polar, with threonine, which is neutral and polar, at codon 2149 of the ALMS1 protein (p.Pro2149Thr). This variant is present in population databases (rs377360750, gnomAD 0.09%). This variant has not been reported in the literature in individuals affected with ALMS1-related conditions. ClinVar contains an entry for this variant (Variation ID: 424295). In summary, the available evidence is currently insufficient to determine the role of this variant in disease. Therefore, it has been classified as a Variant of Uncertain Significance.

Ambry Genetics
Classification: Likely benign for Cardiovascular phenotype. Last evaluated: 2022-04-19. Review status: criteria provided, single submitter. Criteria: Ambry Variant Classification Scheme 2023. Collection method: clinical testing. Allele origin: germline.

Fulgent Genetics
Classification: Uncertain significance for Alstrom syndrome. Last evaluated: 2022-03-29. Review status: criteria provided, single submitter. Criteria: ACMG Guidelines, 2015. Collection method: clinical testing. Allele origin: unknown.